The following is an entry in ClinVar:

NM_016734.3(PAX5):c.1163A>G (p.Tyr388Cys)

Gene: PAX5 (paired box 5; minus strand). Cytogenetic location: 9p13.2.
Variant type: single nucleotide variant.
Coding change: c.1163A>G on transcript NM_016734.3 (MANE Select); coding-DNA position 1163, A replaced by G.
Protein change: p.Tyr388Cys; replaces tyrosine 388 with cysteine.
Molecular consequence: missense variant. On other transcripts: non-coding transcript variant (2).
Genome position (GRCh38, 1-based): chr9:36,840,573, T>C on the plus strand (A>G on the coding strand, the complement: PAX5 is on the minus strand). VCF-style: chr9-36840573-T-C. GRCh37 (hg19) VCF-style: chr9-36840570-T-C.
Other names: c.1061A>G, p.Tyr354Cys (NM_001280547.2); c.1076A>G, p.Tyr359Cys (NM_001280548.2); c.931A>G, p.Met311Val (NM_001280549.2); c.844A>G, p.Met282Val (NM_001280550.2); c.650A>G, p.Tyr217Cys (NM_001280551.2); c.974A>G, p.Tyr325Cys (NM_001280552.2); c.947A>G, p.Tyr316Cys (NM_001280553.2); c.1034A>G, p.Tyr345Cys (NM_001280554.2); and 3 more; short protein forms M282V, M311V, Y217C, Y280C, Y288C, Y316C, Y325C, Y345C.
Identifiers: ClinVar variation 1878883 (VCV001878883.2), dbSNP rs2493136114, ClinGen allele CA373485688.

ClinVar aggregate classification (germline): Uncertain significance. Review status: criteria provided, multiple submitters, no conflicts (2 of 4 stars). 2 submissions from 2 submitters: Uncertain significance (2). Last evaluated 2025-04-18.

Conditions:
Inborn genetic diseases. Identifiers: MedGen C0950123, MeSH D030342.

gnomAD v4.1: 1 of 1,587,958 alleles (0.000063%); no homozygotes.

Submissions (2):

Ambry Genetics
Classification: Uncertain significance for Inborn genetic diseases. Last evaluated: 2025-04-18. Review status: criteria provided, single submitter. Criteria: Ambry Variant Classification Scheme 2023. Collection method: clinical testing. Allele origin: germline.
Comment: The p.Y388C variant (also known as c.1163A>G), located in coding exon 10 of the PAX5 gene, results from an A to G substitution at nucleotide position 1163. The tyrosine at codon 388 is replaced by cysteine, an amino acid with highly dissimilar properties. This amino acid position is conserved. In addition, this alteration is predicted to be deleterious by in silico analysis. Based on the available evidence, the clinical significance of this variant remains unclear.

GeneDx
Classification: Uncertain significance. Last evaluated: 2022-07-13. Review status: criteria provided, single submitter. Criteria: GeneDx Variant Classification Process June 2021. Collection method: clinical testing. Allele origin: germline. Affected: yes.
Comment: Not observed at significant frequency in large population cohorts (gnomAD); In silico analysis supports that this missense variant has a deleterious effect on protein structure/function; Has not been previously published as pathogenic or benign to our knowledge